The following is an entry in ClinVar:

ClinVar aggregate classification (germline): Uncertain significance (1 of 4 stars; one submission).

Conditions:
Joubert syndrome 23 (JBTS23). Identifiers: Orphanet 475, MedGen C4084822, MONDO:0014664, OMIM 616490.
Short-rib thoracic dysplasia 14 with polydactyly (SRTD14). Identifiers: Orphanet 397715, MedGen C4225286, MONDO:0014688, OMIM 616546.

Allele frequency attached by ClinVar (database versions not stated): gnomAD exomes below 0.00001; ExAC 0.00001; gnomAD 0.00001; TOPMed 0.00002.
gnomAD v4.1: 5 of 1,613,158 alleles (0.00031%); highest among the groups gnomAD compares: African/African-American, 0.0067%; no homozygotes.

Submission:

Labcorp Genetics (formerly Invitae), Labcorp
Classification: Uncertain significance for Joubert syndrome 23; Short-rib thoracic dysplasia 14 with polydactyly. Last evaluated: 2022-08-16. Review status: criteria provided, single submitter. Criteria: Invitae Variant Classification Sherloc (09022015). Collection method: clinical testing. Allele origin: germline.
Comment: This sequence change replaces lysine, which is basic and polar, with arginine, which is basic and polar, at codon 859 of the KIAA0586 protein (p.Lys859Arg). This variant is present in population databases (rs773759282, gnomAD 0.007%). This variant has not been reported in the literature in individuals affected with KIAA0586-related conditions. ClinVar contains an entry for this variant (Variation ID: 1440743). Algorithms developed to predict the effect of missense changes on protein structure and function output the following: SIFT: "Tolerated"; PolyPhen-2: "Benign"; Align-GVGD: "Class C0". The arginine amino acid residue is found in multiple mammalian species, which suggests that this missense change does not adversely affect protein function. In summary, the available evidence is currently insufficient to determine the role of this variant in disease. Therefore, it has been classified as a Variant of Uncertain Significance.

NM_001329943.3(KIAA0586):c.2417A>G (p.Lys806Arg)

Gene: KIAA0586 (KIAA0586; plus strand). Cytogenetic location: 14q23.1.
Variant type: single nucleotide variant.
Coding change: c.2417A>G on transcript NM_001329943.3 (MANE Select); coding-DNA position 2417, A replaced by G.
Protein change: p.Lys806Arg; replaces lysine 806 with arginine.
Molecular consequence: missense variant.
Genome position (GRCh38, 1-based): chr14:58,467,897, A>G. VCF-style: chr14-58467897-A-G. GRCh37 (hg19) VCF-style: chr14-58934615-A-G.
Other names: c.2372A>G, p.Lys791Arg (NM_001244190.2); c.2162A>G, p.Lys721Arg (NM_001244191.2, NM_001329945.2, NM_001364700.1 and 1 more transcripts); c.2285A>G, p.Lys762Arg (NM_001244192.2); c.1997A>G, p.Lys666Arg (NM_001244193.2); c.2417A>G, p.Lys806Arg (NM_001329944.2, NM_001329946.2, NM_001329947.2); c.2189A>G, p.Lys730Arg (NM_014749.5); c.2576A>G, p.Lys859Arg (NM_001244189.2); short protein forms K666R, K721R, K762R, K859R, K730R, K806R, K791R.
Identifiers: ClinVar variation 1440743 (VCV001440743.3), dbSNP rs773759282, ClinGen allele CA7205856.